The following is an entry in ClinVar:

NM_001267550.2(TTN):c.65420G>A (p.Cys21807Tyr)

Genes: TTN (titin; minus strand), TTN-AS1 (TTN antisense RNA 1; plus strand). Cytogenetic location: 2q31.2.
Variant type: single nucleotide variant.
Coding change: c.65420G>A on transcript NM_001267550.2 (MANE Select); coding-DNA position 65420, G replaced by A.
Protein change: p.Cys21807Tyr; replaces cysteine 21807 with tyrosine.
Molecular consequence: missense variant. On other transcripts: non-coding transcript variant (1).
Genome position (GRCh38, 1-based): chr2:178,583,762, C>T on the plus strand (G>A on the coding strand, the complement: TTN is on the minus strand). VCF-style: chr2-178583762-C-T. GRCh37 (hg19) VCF-style: chr2-179448489-C-T.
Other names: c.60497G>A, p.Cys20166Tyr (NM_001256850.1); c.38225G>A, p.Cys12742Tyr (NM_003319.4); c.57716G>A, p.Cys19239Tyr (NM_133378.4); c.38600G>A, p.Cys12867Tyr (NM_133432.3); c.38801G>A, p.Cys12934Tyr (NM_133437.4); short protein forms C12742Y, C12867Y, C12934Y, C19239Y, C20166Y, C21807Y.
Identifiers: ClinVar variation 4072613 (VCV004072613.1).

ClinVar aggregate classification (germline): Uncertain significance (1 of 4 stars; one submission).

gnomAD v4.1: 7 of 1,611,514 alleles (0.00043%); highest among the groups gnomAD compares: South Asian, 0.0055%; no homozygotes.

Submission:

GeneDx
Classification: Uncertain significance. Last evaluated: 2025-01-29. Review status: criteria provided, single submitter. Criteria: GeneDx Variant Classification Process June 2021. Collection method: clinical testing. Allele origin: germline. Affected: yes.
Comment: Not observed at significant frequency in large population cohorts (gnomAD); Missense variant in a gene in which most reported pathogenic variants are truncating/loss of function; Has not been previously published as pathogenic or benign to our knowledge